The following is an entry in ClinVar:

NM_001127208.3(TET2):c.1298A>G (p.Glu433Gly)

Genes: TET2 (tet methylcytosine dioxygenase 2; plus strand), TET2-AS1 (TET2 antisense RNA 1; minus strand). Cytogenetic location: 4q24.
Variant type: single nucleotide variant.
Coding change: c.1298A>G on transcript NM_001127208.3 (MANE Select); coding-DNA position 1298, A replaced by G.
Protein change: p.Glu433Gly; replaces glutamic acid 433 with glycine.
Molecular consequence: missense variant.
Genome position (GRCh38, 1-based): chr4:105,235,240, A>G. VCF-style: chr4-105235240-A-G. GRCh37 (hg19) VCF-style: chr4-106156397-A-G.
Other names: c.1298A>G, p.Glu433Gly (NM_017628.4); short protein forms E433G.
Identifiers: ClinVar variation 3805896 (VCV003805896.1).

ClinVar aggregate classification (germline): Uncertain significance (1 of 4 stars; one submission).

Submission:

Ambry Genetics
Classification: Uncertain significance. Last evaluated: 2024-12-22. Review status: criteria provided, single submitter. Criteria: Ambry Variant Classification Scheme 2023. Collection method: clinical testing. Allele origin: germline.
Comment: The p.E433G variant (also known as c.1298A>G), located in coding exon 1 of the TET2 gene, results from an A to G substitution at nucleotide position 1298. The glutamic acid at codon 433 is replaced by glycine, an amino acid with similar properties. This amino acid position is conserved. In addition, this alteration is predicted to be tolerated by in silico analysis. Based on the available evidence, the clinical significance of this variant remains unclear.